The following is an entry in ClinVar:

ClinVar aggregate classification (germline): Pathogenic (1 of 4 stars; one submission).

Conditions:
Pyruvate dehydrogenase E1-alpha deficiency (PDHAD). Also called: Ataxia, intermittent, with pyruvate dehydrogenase, or decarboxylase, deficiency; ATAXIA, INTERMITTENT, WITH PYRUVATE DEHYDROGENASE DEFICIENCY; ATAXIA WITH LACTIC ACIDOSIS I; ATAXIA, INTERMITTENT, WITH ABNORMAL PYRUVATE METABOLISM. Identifiers: Orphanet 79243, MedGen C1839413, MONDO:0010717, OMIM 312170.

Submission:

Labcorp Genetics (formerly Invitae), Labcorp
Classification: Pathogenic for Pyruvate dehydrogenase E1-alpha deficiency. Last evaluated: 2023-07-14. Review status: criteria provided, single submitter. Criteria: Invitae Variant Classification Sherloc (09022015). Collection method: clinical testing. Allele origin: germline.
Comment: For these reasons, this variant has been classified as Pathogenic. This variant disrupts a region of the PDHA1 protein in which other variant(s) (p.Arg302Cys) have been determined to be pathogenic (PMID: 1293379, 9671272, 20002461, 21846590, 26865159). This suggests that this is a clinically significant region of the protein, and that variants that disrupt it are likely to be disease-causing. ClinVar contains an entry for this variant (Variation ID: 1519076). This variant has been observed in individual(s) with pyruvate dehydrogenase deficiency (Invitae). This variant is not present in population databases (gnomAD no frequency). This variant, c.902_907del, is a complex sequence change that results in the deletion of 3 and insertion of 1 amino acid(s) in the PDHA1 protein (p.Tyr301_Thr303delinsSer).

Literature cited by the submitters: PubMed 1293379; PubMed 9671272; PubMed 20002461; PubMed 21846590; PubMed 26865159.

NM_000284.4(PDHA1):c.902_907del (p.Tyr301_Thr303delinsSer)

Gene: PDHA1 (pyruvate dehydrogenase E1 subunit alpha 1; plus strand). Cytogenetic location: Xp22.12.
Variant type: Deletion.
Coding change: c.902_907del on transcript NM_000284.4 (MANE Select); coding-DNA positions 902 to 907, 6 bases deleted (ACCGTA; older notation c.902_907delACCGTA).
Protein change: p.Tyr301_Thr303delinsSer.
Molecular consequence: inframe indel.
Genome position (GRCh38, 1-based): chrX:19,358,918-19,358,923, ACCGTA deleted. VCF-style (leftmost placement, unchanged base first): chrX-19358917-TACCGTA-T. GRCh37 (hg19) VCF-style: chrX-19377035-TACCGTA-T.
Other names: c.1016_1021del, p.Tyr339_Thr341delinsSer (NM_001173454.2); c.923_928del, p.Tyr308_Thr310delinsSer (NM_001173455.2); c.809_814del, p.Tyr270_Thr272delinsSer (NM_001173456.2).
Identifiers: ClinVar variation 1519076 (VCV001519076.8), dbSNP rs2147187199, ClinGen allele CA2573158421.